The following is an entry in ClinVar:

ClinVar aggregate classification (germline): Uncertain significance (1 of 4 stars; one submission).

Allele frequency attached by ClinVar (database versions not stated): gnomAD exomes 0.00001; ExAC 0.00032.
gnomAD v4.1: 11 of 1,393,700 alleles (0.00079%); highest among the groups gnomAD compares: South Asian, 0.019%; no homozygotes.

Submission:

Labcorp Genetics (formerly Invitae), Labcorp
Classification: Uncertain significance. Last evaluated: 2022-08-23. Review status: criteria provided, single submitter. Criteria: Invitae Variant Classification Sherloc (09022015). Collection method: clinical testing. Allele origin: germline.
Comment: In summary, the available evidence is currently insufficient to determine the role of this variant in disease. Therefore, it has been classified as a Variant of Uncertain Significance. Algorithms developed to predict the effect of missense changes on protein structure and function are either unavailable or do not agree on the potential impact of this missense change (SIFT: "Deleterious"; PolyPhen-2: "Benign"; Align-GVGD: "Class C0"). This variant has not been reported in the literature in individuals affected with AUTS2-related conditions. This sequence change replaces glycine, which is neutral and non-polar, with cysteine, which is neutral and slightly polar, at codon 38 of the AUTS2 protein (p.Gly38Cys). This variant is present in population databases (rs752423410, gnomAD 0.01%).

NM_015570.4(AUTS2):c.112G>T (p.Gly38Cys)

Genes: AUTS2 (activator of transcription and developmental regulator AUTS2; plus strand), LOC129998550 (ATAC-STARR-seq lymphoblastoid silent region 18224; plus strand). Cytogenetic location: 7q11.22.
Variant type: single nucleotide variant.
Coding change: c.112G>T on transcript NM_015570.4 (MANE Select); coding-DNA position 112, G replaced by T.
Protein change: p.Gly38Cys; replaces glycine 38 with cysteine.
Molecular consequence: missense variant.
Genome position (GRCh38, 1-based): chr7:69,599,765, G>T. VCF-style: chr7-69599765-G-T. GRCh37 (hg19) VCF-style: chr7-69064751-G-T.
Other names: c.112G>T, p.Gly38Cys (NM_001127231.3, NM_001127232.3); short protein forms G38C.
Identifiers: ClinVar variation 1968429 (VCV001968429.5), dbSNP rs752423410, ClinGen allele CA4280233.
Genomic context (GRCh38, chr7:69,599,765, plus strand): 5'-TCGCAGCGAGACCGGGAGAGGCGCTCCCGGGGCGGGCTGGGGGCCGGCGCGGCCGGCGGC[G>T]GCGGGGCTGGCCGGACCCGGGCGCTCTCACTCGCCTCGTCGTCGGGCTCCGACAAGGAAG-3'
Protein context (NP_056385.1, residues 28-48): GGLGAGAAGG[Gly38Cys]GAGRTRALSL